The following is an entry in ClinVar:

NM_001080477.4(TENM3):c.7150T>C (p.Leu2384=)

Gene: TENM3 (teneurin transmembrane protein 3; plus strand). Cytogenetic location: 4q35.1.
Variant type: single nucleotide variant.
Coding change: c.7150T>C on transcript NM_001080477.4 (MANE Select); coding-DNA position 7150, T replaced by C.
Protein change: p.Leu2384=; no amino-acid change (leucine 2384 retained).
Molecular consequence: synonymous variant.
Genome position (GRCh38, 1-based): chr4:182,793,822, T>C. VCF-style: chr4-182793822-T-C. GRCh37 (hg19) VCF-style: chr4-183714975-T-C.
Other names: c.6382T>C, p.Leu2128= (NM_001415960.1); c.6355T>C, p.Leu2119= (NM_001415961.1); c.6352T>C, p.Leu2118= (NM_001415962.1); c.6334T>C, p.Leu2112= (NM_001415963.1); c.6331T>C, p.Leu2111= (NM_001415964.1); c.6868T>C, p.Leu2290= (NM_001415966.1); c.6892T>C, p.Leu2298= (NM_001415967.1); c.7168T>C, p.Leu2390= (NM_001415968.1); and 4 more.
Identifiers: ClinVar variation 4534797 (VCV004534797.6).

ClinVar aggregate classification (germline): Likely benign (1 of 4 stars; one submission).

gnomAD v4.1: 5 of 1,613,860 alleles (0.00031%); highest among the groups gnomAD compares: East Asian, 0.0089%; no homozygotes.

Submission:

CeGaT Center for Human Genetics Tuebingen
Classification: Likely benign. Last evaluated: 2025-10-01. Review status: criteria provided, single submitter. Criteria: CeGaT Center For Human Genetics Tuebingen Variant Classification Criteria Version 2. Collection method: clinical testing. Allele origin: germline. Affected: yes. Observed: 1 variant allele.
Comment: TENM3: BP4, BP7